The following is an entry in ClinVar:

NM_000264.5(PTCH1):c.1040T>C (p.Val347Ala)

Gene: PTCH1 (patched 1; minus strand). Cytogenetic location: 9q22.32.
Variant type: single nucleotide variant.
Coding change: c.1040T>C on transcript NM_000264.5 (MANE Select); coding-DNA position 1040, T replaced by C.
Protein change: p.Val347Ala; replaces valine 347 with alanine.
Molecular consequence: missense variant. On other transcripts: non-coding transcript variant (1).
Genome position (GRCh38, 1-based): chr9:95,479,996, A>G on the plus strand (T>C on the coding strand, the complement: PTCH1 is on the minus strand). VCF-style: chr9-95479996-A-G. GRCh37 (hg19) VCF-style: chr9-98242278-A-G.
Other names: c.842T>C, p.Val281Ala (NM_001083602.3); c.1037T>C, p.Val346Ala (NM_001083603.3); c.587T>C, p.Val196Ala (NM_001083604.3, NM_001083605.3, NM_001083606.3 and 1 more transcripts); c.1040T>C, p.Val347Ala (NM_001354918.2); short protein forms V196A, V346A, V347A, V281A.
Identifiers: ClinVar variation 3572019 (VCV003572019.1).
Genomic context (GRCh38, chr9:95,479,996, plus strand): 5'-CAGGGCATAGATTGTCCTCGGGAGCTGGCTTACCTGACGAGTTTTCCAGTGCTGTTCTTG[A>G]CTGTGCCACCCACAATCAACTCCTCCTGCCAGTGCATATACTTTCTGGATAAGCCATGAC-3'
Protein context (NP_000255.2, residues 337-357): WQEELIVGGT[Val347Ala]KNSTGKLVSA

ClinVar aggregate classification (germline): Uncertain significance (1 of 4 stars; one submission).

gnomAD v4.1: 1 of 1,614,060 alleles (0.000062%); highest among the groups gnomAD compares: Non-Finnish European, 0.000085%; no homozygotes.

Submission:

Quest Diagnostics Nichols Institute San Juan Capistrano
Classification: Uncertain significance. Last evaluated: 2024-03-19. Review status: criteria provided, single submitter. Criteria: Quest Diagnostics criteria. Collection method: clinical testing. Allele origin: unknown.
Comment: The PTCH1 c.1040T>C (p.Val347Ala) variant has not been reported in individuals with PTCH1-related conditions in the published literature. It also has not been reported in large, multi-ethnic general populations (Genome Aggregation Database). Analysis of this variant using bioinformatics tools for the prediction of the effect of amino acid changes on protein structure and function yielded predictions that this variant is benign. Based on the available information, we are unable to determine the clinical significance of this variant.